The following is an entry in ClinVar:

ClinVar aggregate classification (germline): Uncertain significance. Review status: criteria provided, multiple submitters, no conflicts (2 of 4 stars). 2 submissions from 2 submitters: Uncertain significance (2). Last evaluated 2025-11-23.

gnomAD v4.1: 2 of 1,570,618 alleles (0.00013%); highest among the groups gnomAD compares: Non-Finnish European, 0.00017%; no homozygotes.

Submissions (2):

Labcorp Genetics (formerly Invitae), Labcorp
Classification: Uncertain significance. Last evaluated: 2025-11-23. Review status: criteria provided, single submitter. Criteria: Invitae Variant Classification Sherloc (09022015). Collection method: clinical testing. Allele origin: germline.
Comment: This sequence change replaces isoleucine, which is neutral and non-polar, with valine, which is neutral and non-polar, at codon 137 of the RNF13 protein (p.Ile137Val). This variant is not present in population databases (gnomAD no frequency). This variant has not been reported in the literature in individuals affected with RNF13-related conditions. An algorithm developed to predict the effect of missense changes on protein structure and function (PolyPhen-2) suggests that this variant is likely to be tolerated. In summary, the available evidence is currently insufficient to determine the role of this variant in disease. Therefore, it has been classified as a Variant of Uncertain Significance.

Blueprint Genetics
Classification: Uncertain significance. Last evaluated: 2021-03-24. Review status: criteria provided, single submitter. Criteria: ACMG Guidelines, 2015. Collection method: clinical testing. Allele origin: germline.

NM_183381.3(RNF13):c.409A>G (p.Ile137Val)

Gene: RNF13 (ring finger protein 13; plus strand). Cytogenetic location: 3q25.1.
Variant type: single nucleotide variant.
Coding change: c.409A>G on transcript NM_183381.3 (MANE Select); coding-DNA position 409, A replaced by G.
Protein change: p.Ile137Val; replaces isoleucine 137 with valine.
Molecular consequence: missense variant. On other transcripts: synonymous variant (5), non-coding transcript variant (1).
Genome position (GRCh38, 1-based): chr3:149,895,560, A>G. VCF-style: chr3-149895560-A-G. GRCh37 (hg19) VCF-style: chr3-149613347-A-G.
Other names: c.409A>G, p.Ile137Val (NM_001378285.1, NM_001378286.1, NM_007282.4); c.42A>G, p.Thr14= (NM_001378287.1, NM_001378288.1, NM_001378289.1 and 2 more transcripts); c.16A>G, p.Ile6Val (NM_001378291.1); short protein forms I137V, I6V.
Identifiers: ClinVar variation 4693631 (VCV004693631.2).